The following is an entry in ClinVar:

NM_001277115.2(DNAH11):c.13373C>G (p.Pro4458Arg)

Genes: CDCA7L (cell division cycle associated 7 like; minus strand), DNAH11 (dynein axonemal heavy chain 11; plus strand). Cytogenetic location: 7p15.3.
Variant type: single nucleotide variant.
Coding change: c.13373C>G on transcript NM_001277115.2 (MANE Select); coding-DNA position 13373, C replaced by G.
Protein change: p.Pro4458Arg; replaces proline 4458 with arginine.
Molecular consequence: missense variant. On other transcripts: 3 prime UTR variant (3).
Genome position (GRCh38, 1-based): chr7:21,901,076, C>G. VCF-style: chr7-21901076-C-G. GRCh37 (hg19) VCF-style: chr7-21940694-C-G.
Other names: c.*1246G>C (NM_001127370.3, NM_001127371.3, NM_018719.5); short protein forms P4458R.
Identifiers: ClinVar variation 3221484 (VCV003221484.1), dbSNP rs72658835, ClinGen allele CA366956882.
Genomic context (GRCh38, chr7:21,901,076, plus strand): 5'-GGGACACCCAAGCAGGAACCATTGTTGAAGCCCGTCTCAAGGAGCTGGCATGCCCTATGC[C>G]GGTCATCTTTGCAAAAGCCACCCCCGTGGACAGACAAGAAACCAAACAGACCTACGAGTG-3'
Protein context (NP_001264044.1, residues 4448-4468): ARLKELACPM[Pro4458Arg]VIFAKATPVD

ClinVar aggregate classification (germline): Uncertain significance (1 of 4 stars; one submission).

Conditions:
Primary ciliary dyskinesia. Also called: Ciliary dyskinesia. Identifiers: Orphanet 244, MedGen C0008780, MONDO:0016575, HP:0012265.

Submission:

Ambry Genetics
Classification: Uncertain significance for Primary ciliary dyskinesia. Last evaluated: 2023-12-10. Review status: criteria provided, single submitter. Criteria: Ambry Variant Classification Scheme 2023. Collection method: clinical testing. Allele origin: germline.
Comment: The p.P4458R variant (also known as c.13373C>G), located in coding exon 82 of the DNAH11 gene, results from a C to G substitution at nucleotide position 13373. The proline at codon 4458 is replaced by arginine, an amino acid with dissimilar properties. This amino acid position is highly conserved in available vertebrate species. In addition, the in silico prediction for this alteration is inconclusive. Since supporting evidence is limited at this time, the clinical significance of this alteration remains unclear.